The following is an entry in ClinVar:

ClinVar aggregate classification (germline): Uncertain significance (1 of 4 stars; one submission).

Conditions:
Ataxia-telangiectasia syndrome (AT). Also called: ATAXIA-TELANGIECTASIA, FRESNO VARIANT; Ataxia-telangiectasia, complementation group D; Cerebello-oculocutaneous telangiectasia; Immunodeficiency with ataxia telangiectasia; Ataxia-telangiectasia; Ataxia telangiectasia (A-T). Identifiers: Orphanet 100, MedGen C0004135, MONDO:0008840, OMIM 208900.

Submission:

Labcorp Genetics (formerly Invitae), Labcorp
Classification: Uncertain significance for Ataxia-telangiectasia syndrome. Last evaluated: 2018-09-17. Review status: criteria provided, single submitter. Criteria: Invitae Variant Classification Sherloc (09022015). Collection method: clinical testing. Allele origin: germline.
Comment: This variant has not been reported in the literature in individuals with ATM-related disease. This variant is not present in population databases (ExAC no frequency). This sequence change replaces aspartic acid with asparagine at codon 1333 of the ATM protein (p.Asp1333Asn). The aspartic acid residue is moderately conserved and there is a small physicochemical difference between aspartic acid and asparagine. Algorithms developed to predict the effect of missense changes on protein structure and function are either unavailable or do not agree on the potential impact of this missense change (SIFT: "Tolerated"; PolyPhen-2: "Possibly Damaging"; Align-GVGD: "Class C0"). In summary, the available evidence is currently insufficient to determine the role of this variant in disease. Therefore, it has been classified as a Variant of Uncertain Significance.

NM_000051.4(ATM):c.3997G>A (p.Asp1333Asn)

Gene: ATM (ATM serine/threonine kinase; plus strand). Cytogenetic location: 11q22.3.
Variant type: single nucleotide variant.
Coding change: c.3997G>A on transcript NM_000051.4 (MANE Select); coding-DNA position 3997, G replaced by A.
Protein change: p.Asp1333Asn; replaces aspartic acid 1333 with asparagine.
Molecular consequence: missense variant.
Genome position (GRCh38, 1-based): chr11:108,287,603, G>A. VCF-style: chr11-108287603-G-A. GRCh37 (hg19) VCF-style: chr11-108158330-G-A.
Other names: c.3997G>A, p.Asp1333Asn (NM_001351834.2); short protein forms D1333N.
Identifiers: ClinVar variation 659453 (VCV000659453.8), dbSNP rs1591655512, ClinGen allele CA382527430.